The following is an entry in ClinVar:

NM_016592.5(GNAS):c.41G>A (p.Arg14His)

Genes: GNAS (GNAS complex locus; plus strand), GNAS-AS1 (GNAS antisense RNA 1; minus strand). Cytogenetic location: 20q13.32.
Variant type: single nucleotide variant.
Coding change: c.41G>A on transcript NM_016592.5 (MANE Plus Clinical); coding-DNA position 41, G replaced by A.
Protein change: p.Arg14His; replaces arginine 14 with histidine.
Molecular consequence: missense variant. On other transcripts: 5 prime UTR variant (1).
Genome position (GRCh38, 1-based): chr20:58,840,147, G>A. VCF-style: chr20-58840147-G-A. GRCh37 (hg19) VCF-style: chr20-57415202-G-A.
Other names: c.-697G>A (NM_001410912.1); short protein forms R14H.
Identifiers: ClinVar variation 3354491 (VCV003354491.1).

ClinVar aggregate classification (germline): Uncertain significance (0 of 4 stars; one submission).

Conditions:
GNAS-related disorder. Identifiers: MedGen CN380105.

gnomAD v4.1: 32 of 1,611,514 alleles (0.002%); highest among the groups gnomAD compares: East Asian, 0.027%; no homozygotes.

Submission:

PreventionGenetics, part of Exact Sciences
Classification: Uncertain significance for GNAS-related condition. Last evaluated: 2024-06-19. Review status: no assertion criteria provided. Collection method: clinical testing. Allele origin: germline.
Comment: The GNAS c.41G>A variant is predicted to result in the amino acid substitution p.Arg14His. To our knowledge, this variant has not been reported in the literature. This variant is reported in 0.030% of alleles in individuals of East Asian descent in gnomAD. At this time, the clinical significance of this variant is uncertain due to the absence of conclusive functional and genetic evidence.